The following is an entry in ClinVar:

NM_001374504.1(TMPRSS6):c.*72G>T

Gene: TMPRSS6 (transmembrane serine protease 6; minus strand). Cytogenetic location: 22q12.3.
Variant type: single nucleotide variant.
Coding change: c.*72G>T on transcript NM_001374504.1 (MANE Select); 72 bases downstream of the stop codon, G replaced by T.
Molecular consequence: 3 prime UTR variant.
Genome position (GRCh38, 1-based): chr22:37,066,008, C>A on the plus strand (G>T on the coding strand, the complement: TMPRSS6 is on the minus strand). VCF-style: chr22-37066008-C-A. GRCh37 (hg19) VCF-style: chr22-37462048-C-A.
Other names: c.*72G>T (NM_001289000.2, NM_001289001.2, NM_153609.4).
Identifiers: ClinVar variation 899427 (VCV000899427.5), dbSNP rs146358284, ClinGen allele CA324042533.

ClinVar aggregate classification (germline): Likely benign. Review status: criteria provided, multiple submitters, no conflicts (2 of 4 stars). 2 submissions from 2 submitters: Likely benign (2). Last evaluated 2018-01-13.

Conditions:
Microcytic anemia. Identifiers: MedGen C5194182, MONDO:0001245, HP:0001935. Disease mechanism: loss of function.

Allele frequency attached by ClinVar (database versions not stated): 1000 Genomes Project 0.00280; TOPMed 0.00213; 1000 Genomes Project 30x 0.00328.
gnomAD v4.1: 672 of 1,598,136 alleles (0.042%); highest among the groups gnomAD compares: African/African-American, 0.77%; 3 homozygotes.

Submissions (2):

Illumina Laboratory Services, Illumina
Classification: Likely benign for Iron-refractory iron deficiency anemia. Last evaluated: 2018-01-13. Review status: criteria provided, single submitter. Criteria: ICSL Variant Classification Criteria 13 December 2019. Collection method: clinical testing. Allele origin: germline.
Comment: This variant was observed in the ICSL laboratory as part of a predisposition screen in an ostensibly healthy population. It had not been previously curated by ICSL or reported in the Human Gene Mutation Database (HGMD: prior to June 1st, 2018), and was therefore a candidate for classification through an automated scoring system. Utilizing variant allele frequency, disease prevalence and penetrance estimates, and inheritance mode, an automated score was calculated to assess if this variant is too frequent to cause the disease. Based on the score and internal cut-off values, a variant classified as likely benign is not then subjected to further curation. The score for this variant resulted in a classification of likely benign for this disease.

Breakthrough Genomics
Classification: Likely benign. Review status: criteria provided, single submitter. Criteria: ACMG Guidelines, 2015. Collection method: not provided. Allele origin: germline. Inheritance: Autosomal recessive inheritance. Affected: yes.